The following is an entry in ClinVar:

NM_016955.4(SEPSECS):c.1207G>A (p.Ala403Thr)

Gene: SEPSECS (Sep (O-phosphoserine) tRNA:Sec (selenocysteine) tRNA synthase; minus strand). Cytogenetic location: 4p15.2.
Variant type: single nucleotide variant.
Coding change: c.1207G>A on transcript NM_016955.4 (MANE Select); coding-DNA position 1207, G replaced by A.
Protein change: p.Ala403Thr; replaces alanine 403 with threonine.
Molecular consequence: missense variant.
Genome position (GRCh38, 1-based): chr4:25,125,698, C>T on the plus strand (G>A on the coding strand, the complement: SEPSECS is on the minus strand). VCF-style: chr4-25125698-C-T. GRCh37 (hg19) VCF-style: chr4-25127320-C-T.
Other names: c.1207G>A (NM_016955.3); short protein forms A403T.
Identifiers: ClinVar variation 1470445 (VCV001470445.6), dbSNP rs748528815, ClinGen allele CA2877210.

ClinVar aggregate classification (germline): Uncertain significance. Review status: criteria provided, multiple submitters, no conflicts (2 of 4 stars). 2 submissions from 2 submitters: Uncertain significance (2). Last evaluated 2024-10-15.

Conditions:
Inborn genetic diseases. Identifiers: MedGen C0950123, MeSH D030342.

Allele frequency attached by ClinVar (database versions not stated): TOPMed 0.00002; gnomAD 0.00001.
gnomAD v4.1: 11 of 1,607,442 alleles (0.00068%); highest among the groups gnomAD compares: Non-Finnish European, 0.00094%; no homozygotes.

Submissions (2):

Labcorp Genetics (formerly Invitae), Labcorp
Classification: Uncertain significance. Last evaluated: 2024-10-15. Review status: criteria provided, single submitter. Criteria: Invitae Variant Classification Sherloc (09022015). Collection method: clinical testing. Allele origin: germline.
Comment: This sequence change replaces alanine, which is neutral and non-polar, with threonine, which is neutral and polar, at codon 403 of the SEPSECS protein (p.Ala403Thr). This variant is present in population databases (rs748528815, gnomAD 0.0009%). This variant has not been reported in the literature in individuals affected with SEPSECS-related conditions. ClinVar contains an entry for this variant (Variation ID: 1470445). Invitae Evidence Modeling of protein sequence and biophysical properties (such as structural, functional, and spatial information, amino acid conservation, physicochemical variation, residue mobility, and thermodynamic stability) indicates that this missense variant is not expected to disrupt SEPSECS protein function with a negative predictive value of 80%. In summary, the available evidence is currently insufficient to determine the role of this variant in disease. Therefore, it has been classified as a Variant of Uncertain Significance.

Ambry Genetics
Classification: Uncertain significance for Inborn genetic diseases. Last evaluated: 2023-08-08. Review status: criteria provided, single submitter. Criteria: Ambry Variant Classification Scheme 2023. Collection method: clinical testing. Allele origin: germline.